The following is an entry in ClinVar:

NM_001205293.3(CACNA1E):c.5693T>G (p.Met1898Arg)

Gene: CACNA1E (calcium voltage-gated channel subunit alpha1 E; plus strand). Cytogenetic location: 1q25.3.
Variant type: single nucleotide variant.
Coding change: c.5693T>G on transcript NM_001205293.3 (MANE Select); coding-DNA position 5693, T replaced by G.
Protein change: p.Met1898Arg; replaces methionine 1898 with arginine.
Molecular consequence: missense variant.
Genome position (GRCh38, 1-based): chr1:181,785,726, T>G. VCF-style: chr1-181785726-T-G. GRCh37 (hg19) VCF-style: chr1-181754862-T-G.
Other names: c.5693T>G, p.Met1898Arg (NM_000721.4); c.5636T>G, p.Met1879Arg (NM_001205294.2); short protein forms M1879R, M1898R.
Identifiers: ClinVar variation 1800701 (VCV001800701.1), dbSNP rs990885390, ClinGen allele CA343631663.
Genomic context (GRCh38, chr1:181,785,726, plus strand): 5'-CCGTAGTCATTGGAATTCTTTCCTTCTTCTTCCCTCTTTTTACCCAGAAAAATGCCCCCA[T>G]GTTCCAGCGCATGGAGCCTTCATCTCTGCCTCAGGAGATCATTGCTAATGCCAAAGCCCT-3'
Protein context (NP_001192222.1, residues 1888-1908): QQLEEQKNAP[Met1898Arg]FQRMEPSSLP

ClinVar aggregate classification (germline): Uncertain significance (1 of 4 stars; one submission).

Submission:

GeneDx
Classification: Uncertain significance. Last evaluated: 2022-05-18. Review status: criteria provided, single submitter. Criteria: GeneDx Variant Classification Process June 2021. Collection method: clinical testing. Allele origin: germline. Affected: yes.
Comment: Not observed at significant frequency in large population cohorts (gnomAD); In silico analysis supports that this missense variant has a deleterious effect on protein structure/function; Has not been previously published as pathogenic or benign to our knowledge